The following is an entry in ClinVar:

NM_001041.4(SI):c.3907A>C (p.Asn1303His)

Gene: SI (sucrase-isomaltase; minus strand). Cytogenetic location: 3q26.1.
Variant type: single nucleotide variant.
Coding change: c.3907A>C on transcript NM_001041.4 (MANE Select); coding-DNA position 3907, A replaced by C.
Protein change: p.Asn1303His; replaces asparagine 1303 with histidine.
Molecular consequence: missense variant.
Genome position (GRCh38, 1-based): chr3:165,015,215, T>G on the plus strand (A>C on the coding strand, the complement: SI is on the minus strand). VCF-style: chr3-165015215-T-G. GRCh37 (hg19) VCF-style: chr3-164733003-T-G.
Other names: short protein forms N1303H.
Identifiers: ClinVar variation 1396874 (VCV001396874.6), dbSNP rs1718968622, ClinGen allele CA355036051.

ClinVar aggregate classification (germline): Uncertain significance (1 of 4 stars; one submission).

Allele frequency attached by ClinVar (database versions not stated): gnomAD 0.00001; gnomAD exomes 0.00001.
gnomAD v4.1: 11 of 1,612,728 alleles (0.00068%); highest among the groups gnomAD compares: Non-Finnish European, 0.00085%; no homozygotes.

Submission:

Labcorp Genetics (formerly Invitae), Labcorp
Classification: Uncertain significance. Last evaluated: 2023-08-10. Review status: criteria provided, single submitter. Criteria: Invitae Variant Classification Sherloc (09022015). Collection method: clinical testing. Allele origin: germline.
Comment: This sequence change replaces asparagine, which is neutral and polar, with histidine, which is basic and polar, at codon 1303 of the SI protein (p.Asn1303His). This variant is not present in population databases (gnomAD no frequency). This variant has not been reported in the literature in individuals affected with SI-related conditions. ClinVar contains an entry for this variant (Variation ID: 1396874). Advanced modeling of protein sequence and biophysical properties (such as structural, functional, and spatial information, amino acid conservation, physicochemical variation, residue mobility, and thermodynamic stability) has been performed at Invitae for this missense variant, however the output from this modeling did not meet the statistical confidence thresholds required to predict the impact of this variant on SI protein function. In summary, the available evidence is currently insufficient to determine the role of this variant in disease. Therefore, it has been classified as a Variant of Uncertain Significance.